The following is an entry in ClinVar:

NM_006164.5(NFE2L2):c.161T>G (p.Leu54Arg)

Gene: NFE2L2 (NFE2 like bZIP transcription factor 2; minus strand). Cytogenetic location: 2q31.2.
Variant type: single nucleotide variant.
Coding change: c.161T>G on transcript NM_006164.5 (MANE Select); coding-DNA position 161, T replaced by G.
Protein change: p.Leu54Arg; replaces leucine 54 with arginine.
Molecular consequence: missense variant. On other transcripts: 5 prime UTR variant (1), intron variant (1).
Genome position (GRCh38, 1-based): chr2:177,234,156, A>C on the plus strand (T>G on the coding strand, the complement: NFE2L2 is on the minus strand). VCF-style: chr2-177234156-A-C. GRCh37 (hg19) VCF-style: chr2-178098884-A-C.
Other names: c.113T>G, p.Leu38Arg (NM_001145412.3, NM_001145413.3, NM_001313900.1 and 1 more transcripts); c.161T>G, p.Leu54Arg (NM_001313902.2); c.-69T>G (NM_001313904.1); c.93+68T>G (NM_001313903.2); short protein forms L38R, L54R.
Identifiers: ClinVar variation 4976226 (VCV004976226.1).
Genomic context (GRCh38, chr2:177,234,156, plus strand): 5'-AACTGAGCGAAAAAGGCTTTCTCTTGCTCCTTTTGGAGTTGTTCTTGTCTTTCCTTTTCA[A>C]GTTTTTTCTGTTTTTCCAGCTCATACTCTTTCCGTCGCTGACTGAAGTCAAATACTTCTC-3'
Protein context (NP_006155.2, residues 44-64): KEYELEKQKK[Leu54Arg]EKERQEQLQK

ClinVar aggregate classification (germline): Uncertain significance (1 of 4 stars; one submission).

gnomAD v4.1: 1 of 1,613,946 alleles (0.000062%); highest among the groups gnomAD compares: African/African-American, 0.0013%; no homozygotes.

Submission:

GeneDx
Classification: Uncertain significance. Last evaluated: 2026-02-04. Review status: criteria provided, single submitter. Criteria: GeneDx Variant Classification Process June 2021. Collection method: clinical testing. Allele origin: germline.
Comment: Not observed at significant frequency in large population cohorts (gnomAD); In silico analysis supports that this missense variant has a deleterious effect on protein structure/function; Has not been previously published as pathogenic or benign to our knowledge